The following is an entry in ClinVar:

ClinVar aggregate classification (germline): Benign. Review status: criteria provided, multiple submitters, no conflicts (2 of 4 stars). 6 submissions from 6 submitters: Benign (3). 3 of the submissions do not count toward it. Last evaluated 2025-02-16.

Conditions:
FGFR4-related disorder. Also called: FGFR4-related condition.
Cancer progression and tumor cell motility. Identifiers: MedGen C4016099.

Allele frequency attached by ClinVar (database versions not stated): TOPMed 0.26272; gnomAD exomes 0.32711; gnomAD 0.26815 and 0.26099; 1000 Genomes Project 30x 0.29310; ExAC 0.32098; 1000 Genomes Project 0.29952.
gnomAD v4.1: 487,943 of 1,612,462 alleles (30%); highest among the groups gnomAD compares: East Asian, 44%; 76,363 homozygotes.

Submissions (6):

Laboratory of Genetics, Children's Clinical University Hospital Latvia
Classification: Benign. Last evaluated: 2025-02-16. Review status: criteria provided, single submitter. Criteria: ACMG Guidelines, 2015. Collection method: clinical testing. Allele origin: germline. Affected: yes.

H3Africa Consortium
Classification: Benign. Last evaluated: 2020-10-28. Review status: criteria provided, single submitter. Criteria: Choudhury A et al. (Nature 2020). Collection method: research. Allele origin: germline. Study: H3Africa.
Comment: While the frequency of the alternate allele in gnoMAD v2.0.2 is 0.172, its frequency in African populations is >5%. This suggests that previous classifications of this variant as pathogenic are in error.

Centre for Mendelian Genomics, University Medical Centre Ljubljana
Classification: Benign. Last evaluated: 2019-10-17. Review status: criteria provided, single submitter. Criteria: ACMG Guidelines, 2015. Collection method: clinical testing. Allele origin: unknown. Affected: yes.
Comment: This variant was classified as: Benign (high population frequency).

PreventionGenetics, part of Exact Sciences
Classification: Benign for FGFR4-related condition. Last evaluated: 2019-10-17. Review status: no assertion criteria provided. Collection method: clinical testing. Allele origin: germline. Not counted in ClinVar's aggregate classification.
Comment: This variant is classified as benign based on ACMG/AMP sequence variant interpretation guidelines (Richards et al. 2015 PMID: 25741868, with internal and published modifications).

Department of Pathology and Laboratory Medicine, Sinai Health System
Classification: Uncertain significance for FGFR4-related disorder. Last evaluated: 2023-04-24. Review status: flagged submission. Criteria: ACMG Guidelines, 2015. Collection method: research. Allele origin: germline. Not counted in ClinVar's aggregate classification.
ClinVar note: Notes: Benign variant present in 30.26 % of alleles in gnomAD v4.1.0.
ClinVar note: Reason: Claim with insufficient supporting evidence

OMIM
Classification: Pathogenic for CANCER PROGRESSION AND TUMOR CELL MOTILITY. Last evaluated: 2002-02-01. Review status: flagged submission. Collection method: literature only. Allele origin: unknown. Not counted in ClinVar's aggregate classification.
ClinVar note: Reason: Older and outlier claim with insufficient supporting evidence

Literature cited by the submitters: PubMed 11830541 (cited by OMIM); PubMed 26675719 (cited by OMIM).

NM_213647.3(FGFR4):c.1162G>A (p.Gly388Arg)

Gene: FGFR4 (fibroblast growth factor receptor 4; plus strand). Cytogenetic location: 5q35.2.
Variant type: single nucleotide variant.
Coding change: c.1162G>A on transcript NM_213647.3 (MANE Select); coding-DNA position 1162, G replaced by A.
Protein change: p.Gly388Arg; replaces glycine 388 with arginine.
Molecular consequence: missense variant. On other transcripts: intron variant (2).
Genome position (GRCh38, 1-based): chr5:177,093,242, G>A. VCF-style: chr5-177093242-G-A. GRCh37 (hg19) VCF-style: chr5-176520243-G-A.
Other names: FGFR4, GLY388ARG (rs351855); c.1162G>A, p.Gly388Arg (NM_001354984.2, NM_002011.5); c.1097+65G>A (NM_001291980.2); c.1058-90G>A (NM_022963.3); short protein forms G388R.
Identifiers: ClinVar variation 16326 (VCV000016326.10), dbSNP rs351855, ClinGen allele CA126374.